The following is an entry in ClinVar:

NM_013275.6(ANKRD11):c.2212C>G (p.Arg738Gly)

Gene: ANKRD11 (ankyrin repeat domain 11; minus strand). Cytogenetic location: 16q24.3.
Variant type: single nucleotide variant.
Coding change: c.2212C>G on transcript NM_013275.6 (MANE Select); coding-DNA position 2212, C replaced by G.
Protein change: p.Arg738Gly; replaces arginine 738 with glycine.
Molecular consequence: missense variant.
Genome position (GRCh38, 1-based): chr16:89,284,330, G>C on the plus strand (C>G on the coding strand, the complement: ANKRD11 is on the minus strand). VCF-style: chr16-89284330-G-C. GRCh37 (hg19) VCF-style: chr16-89350738-G-C.
Other names: c.2212C>G, p.Arg738Gly (NM_001256182.2, NM_001256183.2); short protein forms R738G.
Identifiers: ClinVar variation 3684743 (VCV003684743.2).

ClinVar aggregate classification (germline): Uncertain significance (1 of 4 stars; one submission).

Conditions:
KBG syndrome (KBGS). Also called: ANKRD11-Related KBG Syndrome. Identifiers: Orphanet 2332, MedGen C0220687, MONDO:0007846, OMIM 148050.

gnomAD v4.1: 2 of 1,613,414 alleles (0.00012%); highest among the groups gnomAD compares: South Asian, 0.0011%; no homozygotes.

Submission:

Labcorp Genetics (formerly Invitae), Labcorp
Classification: Uncertain significance for KBG syndrome. Last evaluated: 2024-06-04. Review status: criteria provided, single submitter. Criteria: Invitae Variant Classification Sherloc (09022015). Collection method: clinical testing. Allele origin: germline.
Comment: This sequence change replaces arginine, which is basic and polar, with glycine, which is neutral and non-polar, at codon 738 of the ANKRD11 protein (p.Arg738Gly). This variant is present in population databases (rs139523271, gnomAD 0.0009%). This variant has not been reported in the literature in individuals affected with ANKRD11-related conditions. Advanced modeling of protein sequence and biophysical properties (such as structural, functional, and spatial information, amino acid conservation, physicochemical variation, residue mobility, and thermodynamic stability) performed at Invitae indicates that this missense variant is not expected to disrupt ANKRD11 protein function with a negative predictive value of 95%. In summary, the available evidence is currently insufficient to determine the role of this variant in disease. Therefore, it has been classified as a Variant of Uncertain Significance.